The following is an entry in ClinVar:

NM_002878.4(RAD51D):c.910G>T (p.Gly304Cys)

Genes: RAD51L3-RFFL (RAD51L3-RFFL readthrough; minus strand), RAD51D (RAD51 paralog D; minus strand). Cytogenetic location: 17q12.
Variant type: single nucleotide variant.
Coding change: c.910G>T on transcript NM_002878.4 (MANE Select); coding-DNA position 910, G replaced by T.
Protein change: p.Gly304Cys; replaces glycine 304 with cysteine.
Molecular consequence: missense variant. On other transcripts: non-coding transcript variant (2).
Genome position (GRCh38, 1-based): chr17:35,101,030, C>A on the plus strand (G>T on the coding strand, the complement: RAD51D is on the minus strand). VCF-style: chr17-35101030-C-A. GRCh37 (hg19) VCF-style: chr17-33428049-C-A.
Other names: c.970G>T, p.Gly324Cys (NM_001142571.2); c.574G>T, p.Gly192Cys (NM_133629.3); short protein forms G304C, G192C, G324C.
Identifiers: ClinVar variation 232482 (VCV000232482.28), dbSNP rs759392029, ClinGen allele CA10580440.

ClinVar aggregate classification (germline): Uncertain significance. Review status: criteria provided, multiple submitters, no conflicts (2 of 4 stars). 6 submissions from 6 submitters: Uncertain significance (6). Last evaluated 2026-09-11.

Conditions:
Hereditary cancer-predisposing syndrome. Also called: Tumor predisposition; Neoplastic Syndromes, Hereditary; Hereditary Cancer Syndrome; Hereditary neoplastic syndrome. Identifiers: Orphanet 140162, MedGen C0027672, MeSH D009386, MONDO:0015356.
Breast-ovarian cancer, familial, susceptibility to, 4. Identifiers: Orphanet 145, MedGen C3280345, MONDO:0013669, OMIM 614291.

Allele frequency attached by ClinVar (database versions not stated): gnomAD 0.00001; TOPMed 0.00002; gnomAD exomes 0.00001.
gnomAD v4.1: 10 of 1,613,620 alleles (0.00062%); highest among the groups gnomAD compares: Non-Finnish European, 0.00085%; no homozygotes.

Submissions (6):

Ambry Genetics
Classification: Uncertain significance for Hereditary cancer-predisposing syndrome. Last evaluated: 2026-09-11. Review status: criteria provided, single submitter. Criteria: Ambry Variant Classification Scheme 2023. Collection method: clinical testing. Allele origin: germline.

Labcorp Genetics (formerly Invitae), Labcorp
Classification: Uncertain significance for Breast-ovarian cancer, familial, susceptibility to, 4. Last evaluated: 2026-01-21. Review status: criteria provided, single submitter. Criteria: Invitae Variant Classification Sherloc (09022015). Collection method: clinical testing. Allele origin: germline.
Comment: This sequence change replaces glycine, which is neutral and non-polar, with cysteine, which is neutral and slightly polar, at codon 304 of the RAD51D protein (p.Gly304Cys). This variant is present in population databases (rs759392029, gnomAD no frequency). This variant has not been reported in the literature in individuals affected with RAD51D-related conditions. ClinVar contains an entry for this variant (Variation ID: 232482). Invitae Evidence Modeling of protein sequence and biophysical properties (such as structural, functional, and spatial information, amino acid conservation, physicochemical variation, residue mobility, and thermodynamic stability) indicates that this missense variant is not expected to disrupt RAD51D protein function with a negative predictive value of 80%. Studies have shown that this missense change is associated with inconclusive levels of altered splicing (internal data). In summary, the available evidence is currently insufficient to determine the role of this variant in disease. Therefore, it has been classified as a Variant of Uncertain Significance.

Color Diagnostics, LLC DBA Color Health
Classification: Uncertain significance for Hereditary cancer-predisposing syndrome. Last evaluated: 2024-08-12. Review status: criteria provided, single submitter. Criteria: ACMG Guidelines, 2015. Collection method: clinical testing. Allele origin: germline.
Comment: This missense variant replaces glycine with cysteine at codon 304 of the RAD51D protein. Computational prediction suggests that this variant may not impact protein structure and function. To our knowledge, functional studies have not been reported for this variant. This variant has not been reported in individuals affected with hereditary cancer in the literature. This variant has been identified in 2/251476 chromosomes in the general population by the Genome Aggregation Database (gnomAD). The available evidence is insufficient to determine the role of this variant in disease conclusively. Therefore, this variant is classified as a Variant of Uncertain Significance.

Baylor Genetics
Classification: Uncertain significance for Breast-ovarian cancer, familial, susceptibility to, 4. Last evaluated: 2024-02-09. Review status: criteria provided, single submitter. Criteria: ACMG Guidelines, 2015. Collection method: clinical testing. Allele origin: unknown.

GeneDx
Classification: Uncertain significance. Last evaluated: 2023-06-05. Review status: criteria provided, single submitter. Criteria: GeneDx Variant Classification Process June 2021. Collection method: clinical testing. Allele origin: germline. Affected: yes.
Comment: Not observed at significant frequency in large population cohorts (gnomAD); In silico analysis supports that this missense variant has a deleterious effect on protein structure/function; In silico analysis is inconclusive as to whether the variant alters gene splicing. In the absence of RNA/functional studies, the actual effect of this sequence change is unknown.; Has not been previously published as pathogenic or benign to our knowledge; This variant is associated with the following publications: (PMID: 21111057, 14704354, 19327148)

Women's Health and Genetics/Laboratory Corporation of America, LabCorp
Classification: Uncertain significance. Last evaluated: 2023-05-30. Review status: criteria provided, single submitter. Criteria: LabCorp Variant Classification Summary - May 2015. Collection method: clinical testing. Allele origin: germline.
Comment: Variant summary: RAD51D c.910G>T (p.Gly304Cys) results in a non-conservative amino acid change located in the DNA recombination and repair protein Rad51-like, C-terminal and AAA+ ATPase domain of the encoded protein sequence. Four of five in-silico tools predict a damaging effect of the variant on protein function. The variant allele was found at a frequency of 8e-06 in 251476 control chromosomes. The available data on variant occurrences in the general population are insufficient to allow any conclusion about variant significance. To our knowledge, no occurrence of c.910G>T in individuals affected with Hereditary Breast And Ovarian Cancer Syndrome and no experimental evidence demonstrating its impact on protein function have been reported. Four clinical diagnostic laboratories have submitted clinical-significance assessments for this variant to ClinVar after 2014. All laboratories classified the variant as uncertain significance. Based on the evidence outlined above, the variant was classified as uncertain significance.